The following is an entry in ClinVar:

NM_004369.4(COL6A3):c.1735G>A (p.Ala579Thr)

Gene: COL6A3 (collagen type VI alpha 3 chain; minus strand). Cytogenetic location: 2q37.3.
Variant type: single nucleotide variant.
Coding change: c.1735G>A on transcript NM_004369.4 (MANE Select); coding-DNA position 1735, G replaced by A.
Protein change: p.Ala579Thr; replaces alanine 579 with threonine.
Molecular consequence: missense variant.
Genome position (GRCh38, 1-based): chr2:237,381,077, C>T on the plus strand (G>A on the coding strand, the complement: COL6A3 is on the minus strand). VCF-style: chr2-237381077-C-T. GRCh37 (hg19) VCF-style: chr2-238289720-C-T.
Other names: c.514G>A, p.Ala172Thr (NM_057164.5, NM_057166.5); c.1117G>A, p.Ala373Thr (NM_057165.5, NM_057167.4); short protein forms A172T, A373T, A579T.
Identifiers: ClinVar variation 644404 (VCV000644404.12), dbSNP rs1574725167, ClinGen allele CA351217141.

ClinVar aggregate classification (germline): Uncertain significance (1 of 4 stars; one submission).

Conditions:
Bethlem myopathy 1A. Also called: Bethlem Muscular Dystrophy; Bethlem myopathy 1; MYOPATHY, BENIGN CONGENITAL, WITH CONTRACTURES. Identifiers: Orphanet 610, MedGen CN029274, MONDO:0024530, OMIM 158810.
Collagen 6-related myopathy. Identifiers: MedGen CN117976, MONDO:0100225.
Dystonia 27 (DYT27). Identifiers: Orphanet 464440, MedGen C4225336, MONDO:0014627, OMIM 616411.

Submission:

Labcorp Genetics (formerly Invitae), Labcorp
Classification: Uncertain significance for Bethlem myopathy 1A. Last evaluated: 2021-03-26. Review status: criteria provided, single submitter. Criteria: Invitae Variant Classification Sherloc (09022015). Collection method: clinical testing. Allele origin: germline.
Comment: This variant has not been reported in the literature in individuals with COL6A3-related disease. In summary, the available evidence is currently insufficient to determine the role of this variant in disease. Therefore, it has been classified as a Variant of Uncertain Significance. Algorithms developed to predict the effect of missense changes on protein structure and function (SIFT, PolyPhen-2, Align-GVGD) all suggest that this variant is likely to be tolerated, but these predictions have not been confirmed by published functional studies and their clinical significance is uncertain. This variant is not present in population databases (ExAC no frequency). This sequence change replaces alanine with threonine at codon 579 of the COL6A3 protein (p.Ala579Thr). The alanine residue is weakly conserved and there is a small physicochemical difference between alanine and threonine.